The following is an entry in ClinVar:

NM_000384.3(APOB):c.10839C>T (p.Phe3613=)

Gene: APOB (apolipoprotein B; minus strand). Cytogenetic location: 2p24.1.
Variant type: single nucleotide variant.
Coding change: c.10839C>T on transcript NM_000384.3 (MANE Select); coding-DNA position 10839, C replaced by T.
Protein change: p.Phe3613=; no amino-acid change (phenylalanine 3613 retained).
Molecular consequence: synonymous variant.
Genome position (GRCh38, 1-based): chr2:21,006,029, G>A on the plus strand (C>T on the coding strand, the complement: APOB is on the minus strand). VCF-style: chr2-21006029-G-A. GRCh37 (hg19) VCF-style: chr2-21228901-G-A.
Identifiers: ClinVar variation 4125007 (VCV004125007.2).

ClinVar aggregate classification (germline): Likely benign. Review status: criteria provided, multiple submitters, no conflicts (2 of 4 stars). 2 submissions from 2 submitters: Likely benign (2). Last evaluated 2025-08-28.

Conditions:
Cardiovascular phenotype. Identifiers: MedGen CN230736.
Familial hypercholesterolemia. Also called: Familial hypercholesterolemias; Familial hypercholesterolaemia. Identifiers: MedGen C0020445, MONDO:0005439.

gnomAD v4.1: 4 of 1,614,032 alleles (0.00025%); highest among the groups gnomAD compares: Non-Finnish European, 0.00025%; no homozygotes.

Submissions (2):

GENinCode PLC
Classification: Likely benign for Familial hypercholesterolemia. Last evaluated: 2025-08-28. Review status: criteria provided, single submitter. Criteria: ACMG Guidelines, 2015. Collection method: clinical testing. Allele origin: germline.
Comment: This is a synonymous (silent) variant that is not predicted to impact splicing and occurs at a nucleotide which is not highly conserved. This variant has been classified as Likely Benign (BP4, BP7).

Ambry Genetics
Classification: Likely benign for Cardiovascular phenotype. Last evaluated: 2025-07-09. Review status: criteria provided, single submitter. Criteria: Ambry Variant Classification Scheme 2023. Collection method: clinical testing. Allele origin: germline.